The following is an entry in ClinVar:

NM_020975.6(RET):c.2214G>A (p.Val738=)

Gene: RET (ret proto-oncogene; plus strand). Cytogenetic location: 10q11.21.
Variant type: single nucleotide variant.
Coding change: c.2214G>A on transcript NM_020975.6 (MANE Select); coding-DNA position 2214, G replaced by A.
Protein change: p.Val738=; no amino-acid change (valine 738 retained).
Molecular consequence: synonymous variant.
Genome position (GRCh38, 1-based): chr10:43,116,661, G>A. VCF-style: chr10-43116661-G-A. GRCh37 (hg19) VCF-style: chr10-43612109-G-A.
Other names: c.1689G>A, p.Val563= (NM_001406774.1); c.1488G>A, p.Val496= (NM_001406775.1, NM_001406776.1, NM_001406777.1 and 1 more transcripts); c.1317G>A, p.Val439= (NM_001406779.1, NM_001406780.1, NM_001406781.1 and 1 more transcripts); c.1029G>A, p.Val343= (NM_001406788.1, NM_001406789.1, NM_001406790.1); c.2214G>A, p.Val738= (NM_020629.2, NM_020630.7, NM_000323.2 and 4 more transcripts); c.1188G>A, p.Val396= (NM_001406783.1, NM_001406786.1); c.1224G>A, p.Val408= (NM_001406784.1); c.1197G>A, p.Val399= (NM_001406785.1); and 10 more.
Identifiers: ClinVar variation 697859 (VCV000697859.17), dbSNP rs776073471, ClinGen allele CA037827.

ClinVar aggregate classification (germline): Likely benign. Review status: criteria provided, multiple submitters, no conflicts (2 of 4 stars). 3 submissions from 3 submitters: Likely benign (3). Last evaluated 2025-10-23.

Conditions:
Multiple endocrine neoplasia, type 2 (MEN2). Identifiers: Orphanet 653, MedGen C4048306, MONDO:0019003. Disease mechanism: gain of function.
Hereditary cancer-predisposing syndrome. Also called: Hereditary Cancer Syndrome; Neoplastic Syndromes, Hereditary; Hereditary neoplastic syndrome; Tumor predisposition. Identifiers: Orphanet 140162, MedGen C0027672, MeSH D009386, MONDO:0015356.

Allele frequency attached by ClinVar (database versions not stated): gnomAD exomes below 0.00001 and 0.00002; ExAC 0.00001; gnomAD 0.00001 and 0.00002; TOPMed 0.00003.
gnomAD v4.1: 11 of 1,614,102 alleles (0.00068%); highest among the groups gnomAD compares: Admixed American, 0.0033%; no homozygotes.

Submissions (3):

Labcorp Genetics (formerly Invitae), Labcorp
Classification: Likely benign for Multiple endocrine neoplasia, type 2. Last evaluated: 2025-10-23. Review status: criteria provided, single submitter. Criteria: Invitae Variant Classification Sherloc (09022015). Collection method: clinical testing. Allele origin: germline.

All of Us Research Program, National Institutes of Health
Classification: Likely benign for Multiple endocrine neoplasia, type 2. Last evaluated: 2023-10-02. Review status: criteria provided, single submitter. Criteria: ACMG Guidelines, 2015. Collection method: clinical testing. Allele origin: germline. Inheritance: Autosomal dominant inheritance. Observed: 6 variant alleles, 6 heterozygotes.
Comment: This study involves interpretation of variants in research participants for the purpose of population health screening. Participant phenotype was not available at the time of variant classification. Additional details can be found in publication PMID: 35346344, PMCID: PMC8962531

Ambry Genetics
Classification: Likely benign for Hereditary cancer-predisposing syndrome. Last evaluated: 2019-12-12. Review status: criteria provided, single submitter. Criteria: Ambry Variant Classification Scheme 2023. Collection method: clinical testing. Allele origin: germline.